The following is an entry in ClinVar:

NM_001003787.4(STRADA):c.953_973del (p.Val318_Ser324del)

Gene: STRADA (STE20 related adaptor alpha; minus strand). Cytogenetic location: 17q23.3.
Variant type: Deletion.
Coding change: c.953_973del on transcript NM_001003787.4 (MANE Select); coding-DNA positions 953 to 973, 21 bases deleted (TGGCCAACTCTGGCCTGAGTG).
Protein change: p.Val318_Ser324del.
Molecular consequence: inframe deletion. On other transcripts: non-coding transcript variant (1).
Genome position (GRCh38, 1-based): chr17:63,704,468-63,704,488, CACTCAGGCCAGAGTTGGCCA deleted on the plus strand (TGGCCAACTCTGGCCTGAGTG on the coding strand, the reverse complement: STRADA is on the minus strand); deleting any 21 consecutive bases within chr17:63,704,468-63,704,489 gives the same sequence; the c. name uses the placement nearest the transcript's 3' end. VCF-style (leftmost placement, unchanged base first): chr17-63704467-TCACTCAGGCCAGAGTTGGCCA-T. GRCh37 (hg19) VCF-style: chr17-61781827-TCACTCAGGCCAGAGTTGGCCA-T.
Other names: c.842_862del, p.Val281_Ser287del (NM_001003786.3, NM_001363789.1, NM_153335.6); c.779_799del, p.Val260_Ser266del (NM_001003788.3, NM_001363790.1, NM_001363791.1); c.866_886del, p.Val289_Ser295del (NM_001165969.2, NM_001363787.1); c.821_841del, p.Val274_Ser280del (NM_001165970.2); c.929_949del, p.Val310_Ser316del (NM_001363786.1); c.953_973del, p.Val318_Ser324del (NM_001363788.1); c.*390_*410del21 (NM_001411083.1, NM_001411084.1); c.*401_*421del21 (NM_001411085.1).
Identifiers: ClinVar variation 2011434 (VCV002011434.4), dbSNP rs2511044501, ClinGen allele CA2580094571.

ClinVar aggregate classification (germline): Uncertain significance (1 of 4 stars; one submission).

Conditions:
Polyhydramnios, megalencephaly, and symptomatic epilepsy (PMSE). Also called: PMSE SYNDROME. Identifiers: Orphanet 500533, MedGen C1970203, MONDO:0012611, OMIM 611087.

Submission:

Labcorp Genetics (formerly Invitae), Labcorp
Classification: Uncertain significance for Polyhydramnios, megalencephaly, and symptomatic epilepsy. Last evaluated: 2022-10-30. Review status: criteria provided, single submitter. Criteria: Invitae Variant Classification Sherloc (09022015). Collection method: clinical testing. Allele origin: germline.
Comment: In summary, the available evidence is currently insufficient to determine the role of this variant in disease. Therefore, it has been classified as a Variant of Uncertain Significance. Experimental studies and prediction algorithms are not available or were not evaluated, and the functional significance of this variant is currently unknown. This variant has not been reported in the literature in individuals affected with STRADA-related conditions. This variant is not present in population databases (gnomAD no frequency). This variant, c.953_973del, results in the deletion of 7 amino acid(s) of the STRADA protein (p.Val318_Ser324del), but otherwise preserves the integrity of the reading frame.